The following is an entry in ClinVar:

NM_000059.4(BRCA2):c.7317A>G (p.Gly2439=)

Gene: BRCA2 (BRCA2 DNA repair associated; plus strand). Cytogenetic location: 13q13.1.
Variant type: single nucleotide variant.
Coding change: c.7317A>G on transcript NM_000059.4 (MANE Select); coding-DNA position 7317, A replaced by G.
Protein change: p.Gly2439=; no amino-acid change (glycine 2439 retained).
Molecular consequence: synonymous variant.
Genome position (GRCh38, 1-based): chr13:32,355,170, A>G. VCF-style: chr13-32355170-A-G. GRCh37 (hg19) VCF-style: chr13-32929307-A-G.
Other names: p.G2439G:GGA>GGG.
Identifiers: ClinVar variation 135813 (VCV000135813.46), dbSNP rs587780660, ClinGen allele CA025027.
Genomic context (GRCh38, chr13:32,355,170, plus strand): 5'-TGAACAGTGTGTTAGGAATATTAACTTGGAGGAAAACAGACAAAAGCAAAACATTGATGG[A>G]CATGGCTCTGATGATAGTAAAAATAAGATTAATGACAATGAGATTCATCAGTTTAACAAA-3'
Protein context (NP_000050.3, residues 2429-2449): EENRQKQNID[Gly2439=]HGSDDSKNKI

ClinVar aggregate classification (germline): Likely benign. Review status: reviewed by expert panel (3 of 4 stars). 13 submissions from 13 submitters: Likely benign (1). 12 of the submissions do not count toward it. Last evaluated 2017-06-29.

Conditions:
BRCA2-related disorder. Also called: BRCA2-related condition; BRCA2-related disorders. Identifiers: MedGen CN239275.
Hereditary cancer-predisposing syndrome. Also called: Tumor predisposition; Hereditary neoplastic syndrome; Hereditary Cancer Syndrome; Neoplastic Syndromes, Hereditary. Identifiers: Orphanet 140162, MedGen C0027672, MeSH D009386, MONDO:0015356.
Hereditary breast ovarian cancer syndrome. Also called: Hereditary breast and ovarian cancer; Hereditary breast and/or ovarian cancer syndrome; BRCA1- and BRCA2-Associated Hereditary Breast and Ovarian Cancer; Hereditary breast and ovarian cancer syndrome (HBOC); Hereditary breast and ovarian cancer syndrome; Breast and ovarian cancer. Identifiers: Orphanet 145, MedGen C0677776, MeSH D061325, MONDO:0003582. Disease mechanism: loss of function.
Breast-ovarian cancer, familial, susceptibility to, 2 (BROVCA2). Also called: BRCA2 Hereditary Breast and Ovarian Cancer. Identifiers: Orphanet 145, MedGen C2675520, MONDO:0012933, OMIM 612555. Disease mechanism: loss of function.

Allele frequency attached by ClinVar (database versions not stated): gnomAD 0.00002; ExAC 0.00003; gnomAD exomes 0.00003 and 0.00004; TOPMed 0.00005.
gnomAD v4.1: 57 of 1,613,848 alleles (0.0035%); highest among the groups gnomAD compares: Admixed American, 0.0083%; no homozygotes.

Submissions (13):

Evidence-based Network for the Interpretation of Germline Mutant Alleles (ENIGMA)
Classification: Likely benign for Breast-ovarian cancer, familial, susceptibility to, 2. Last evaluated: 2017-06-29. Review status: reviewed by expert panel. Criteria: ENIGMA BRCA1/2 Classification Criteria (2017-06-29). Collection method: curation. Allele origin: germline.
Comment: Synonymous substitution variant, with low bioinformatic likelihood to result in a splicing aberration (Splicing prior probability 0.02).

Labcorp Genetics (formerly Invitae), Labcorp
Classification: Likely benign for Hereditary breast ovarian cancer syndrome. Last evaluated: 2026-01-23. Review status: criteria provided, single submitter. Criteria: Invitae Variant Classification Sherloc (09022015). Collection method: clinical testing. Allele origin: germline. Not counted in ClinVar's aggregate classification.

CeGaT Center for Human Genetics Tuebingen
Classification: Likely benign. Last evaluated: 2025-06-01. Review status: criteria provided, single submitter. Criteria: CeGaT Center For Human Genetics Tuebingen Variant Classification Criteria Version 2. Collection method: clinical testing. Allele origin: germline. Affected: yes. Observed: 1 variant allele. Not counted in ClinVar's aggregate classification.
Comment: BRCA2: BP4, BP7

All of Us Research Program, National Institutes of Health
Classification: Likely benign for Breast-ovarian cancer, familial, susceptibility to, 2. Last evaluated: 2023-10-02. Review status: criteria provided, single submitter. Criteria: ACMG Guidelines, 2015. Collection method: clinical testing. Allele origin: germline. Inheritance: Autosomal dominant inheritance. Observed: 8 variant alleles, 8 heterozygotes. Not counted in ClinVar's aggregate classification.
Comment: This study involves interpretation of variants in research participants for the purpose of population health screening. Participant phenotype was not available at the time of variant classification. Additional details can be found in publication PMID: 35346344, PMCID: PMC8962531

Quest Diagnostics Nichols Institute San Juan Capistrano
Classification: Likely benign. Last evaluated: 2023-08-23. Review status: criteria provided, single submitter. Criteria: Quest Diagnostics criteria. Collection method: clinical testing. Allele origin: unknown. Not counted in ClinVar's aggregate classification.

Blueprint Genetics
Classification: Likely benign. Last evaluated: 2022-08-08. Review status: criteria provided, single submitter. Criteria: ACMG Guidelines, 2015. Collection method: clinical testing. Allele origin: germline. Not counted in ClinVar's aggregate classification.

Women's Health and Genetics/Laboratory Corporation of America, LabCorp
Classification: Likely benign. Last evaluated: 2021-07-09. Review status: criteria provided, single submitter. Criteria: LabCorp Variant Classification Summary - May 2015. Collection method: clinical testing. Allele origin: germline. Not counted in ClinVar's aggregate classification.

ARUP Laboratories, Molecular Genetics and Genomics, ARUP Laboratories
Classification: Benign. Last evaluated: 2020-06-17. Review status: criteria provided, single submitter. Criteria: ARUP Molecular Germline Variant Investigation Process. Collection method: clinical testing. Allele origin: germline. Not counted in ClinVar's aggregate classification.

Genetic Services Laboratory, University of Chicago
Classification: Likely benign. Last evaluated: 2020-01-27. Review status: criteria provided, single submitter. Criteria: ACMG Guidelines, 2015. Collection method: clinical testing. Allele origin: germline. Affected: no. Not counted in ClinVar's aggregate classification.

Color Diagnostics, LLC DBA Color Health
Classification: Likely benign for Hereditary cancer-predisposing syndrome. Last evaluated: 2015-12-29. Review status: criteria provided, single submitter. Criteria: ACMG Guidelines, 2015. Collection method: clinical testing. Allele origin: germline. Not counted in ClinVar's aggregate classification.

Ambry Genetics
Classification: Likely benign for Hereditary cancer-predisposing syndrome. Last evaluated: 2015-08-16. Review status: criteria provided, single submitter. Criteria: Ambry Variant Classification Scheme 2023. Collection method: clinical testing. Allele origin: germline. Not counted in ClinVar's aggregate classification.

GeneDx
Classification: Benign. Last evaluated: 2014-06-11. Review status: criteria provided, single submitter. Criteria: GeneDx Variant Classification (06012015). Collection method: clinical testing. Allele origin: germline. Affected: yes. Not counted in ClinVar's aggregate classification.
Comment: This variant is considered likely benign or benign based on one or more of the following criteria: it is a conservative change, it occurs at a poorly conserved position in the protein, it is predicted to be benign by multiple in silico algorithms, and/or has population frequency not consistent with disease.

PreventionGenetics, part of Exact Sciences
Classification: Likely benign for BRCA2-related condition. Last evaluated: 2020-03-02. Review status: no assertion criteria provided. Collection method: clinical testing. Allele origin: germline. Not counted in ClinVar's aggregate classification.
Comment: This variant is classified as likely benign based on ACMG/AMP sequence variant interpretation guidelines (Richards et al. 2015 PMID: 25741868, with internal and published modifications).

Literature cited by the submitters: PubMed 21918853 (cited by Quest Diagnostics Nichols Institute San Juan Capistrano and Women's Health and Genetics/Laboratory Corporation of America, LabCorp).